The following is an entry in ClinVar:

ClinVar aggregate classification (germline): Likely pathogenic (1 of 4 stars; one submission).

Conditions:
Factor VII deficiency. Also called: Factor 7 deficiency; F7 DEFICIENCY; HYPOPROCONVERTINEMIA. Identifiers: MedGen C0015503, MeSH D005168, MONDO:0002244.
Factor X deficiency. Also called: F10 DEFICIENCY. Identifiers: MedGen C0015519, MeSH D005171, MONDO:0002247.

Submission:

ISTH-SSC Genomics in Thrombosis and Hemostasis, KU Leuven, Center for Molecular and Vascular Biology
Classification: Likely pathogenic for Factor X deficiency; Factor VII deficiency. Review status: criteria provided, single submitter. Criteria: ACMG Guidelines, 2015. Collection method: research. Allele origin: unknown. Inheritance: Autosomal recessive inheritance. Affected: yes.
Comment: Gold Variant submitter: Dr Karyn Megy, NIHR Bioresource - Cambridge University, UK

Literature cited by the submitters: PubMed 34355501.

Single allele

Genes: COL4A1 (collagen type IV alpha 1 chain; minus strand), ATP11A (ATPase phospholipid transporting 11A; plus strand), COL4A2 (collagen type IV alpha 2 chain; plus strand), F7 (coagulation factor VII; plus strand), SPACA7 (sperm acrosome associated 7; plus strand) and 14 more. Cytogenetic location: 13q34.
Variant type: Deletion.
Identifiers: ClinVar variation 1333006 (VCV001333006.2).